The following is an entry in ClinVar:

NM_018713.3(SLC30A10):c.815C>T (p.Pro272Leu)

Gene: SLC30A10 (solute carrier family 30 member 10; minus strand). Cytogenetic location: 1q41.
Variant type: single nucleotide variant.
Coding change: c.815C>T on transcript NM_018713.3 (MANE Select); coding-DNA position 815, C replaced by T.
Protein change: p.Pro272Leu; replaces proline 272 with leucine.
Molecular consequence: missense variant. On other transcripts: non-coding transcript variant (2).
Genome position (GRCh38, 1-based): chr1:219,918,398, G>A on the plus strand (C>T on the coding strand, the complement: SLC30A10 is on the minus strand). VCF-style: chr1-219918398-G-A. GRCh37 (hg19) VCF-style: chr1-220091740-G-A.
Other names: c.626C>T, p.Pro209Leu (NM_001376929.1); c.140C>T, p.Pro47Leu (NM_001416004.1, NM_001416005.1); short protein forms P209L, P272L, P47L.
Identifiers: ClinVar variation 2044757 (VCV002044757.4), dbSNP rs371800776, ClinGen allele CA1399228.

ClinVar aggregate classification (germline): Uncertain significance (1 of 4 stars; one submission).

Allele frequency attached by ClinVar (database versions not stated): ESP Exome Variant Server 0.00008; gnomAD exomes 0.00001; TOPMed 0.00001; ExAC 0.00001.
gnomAD v4.1: 9 of 1,614,016 alleles (0.00056%); highest among the groups gnomAD compares: South Asian, 0.0022%; no homozygotes.

Submission:

Labcorp Genetics (formerly Invitae), Labcorp
Classification: Uncertain significance. Last evaluated: 2022-07-25. Review status: criteria provided, single submitter. Criteria: Invitae Variant Classification Sherloc (09022015). Collection method: clinical testing. Allele origin: germline.
Comment: This variant has not been reported in the literature in individuals affected with SLC30A10-related conditions. Algorithms developed to predict the effect of missense changes on protein structure and function are either unavailable or do not agree on the potential impact of this missense change (SIFT: "Deleterious"; PolyPhen-2: "Possibly Damaging"; Align-GVGD: "Class C0"). In summary, the available evidence is currently insufficient to determine the role of this variant in disease. Therefore, it has been classified as a Variant of Uncertain Significance. This sequence change replaces proline, which is neutral and non-polar, with leucine, which is neutral and non-polar, at codon 272 of the SLC30A10 protein (p.Pro272Leu). This variant is present in population databases (rs371800776, gnomAD 0.003%).